The following is an entry in ClinVar:

ClinVar aggregate classification (germline): Uncertain significance (1 of 4 stars; one submission).

Conditions:
Primary dilated cardiomyopathy (DCM). Also called: Dilated Cardiomyopathy. Identifiers: Orphanet 217604, MedGen C0007193, MeSH D002311, MONDO:0005021, HP:0001644. Inheritance: Various modes of inheritance.

gnomAD v4.1: 4 of 1,613,156 alleles (0.00025%); highest among the groups gnomAD compares: Non-Finnish European, 0.00034%; no homozygotes.

Submission:

Labcorp Genetics (formerly Invitae), Labcorp
Classification: Uncertain significance for Primary dilated cardiomyopathy. Last evaluated: 2025-08-11. Review status: criteria provided, single submitter. Criteria: Invitae Variant Classification Sherloc (09022015). Collection method: clinical testing. Allele origin: germline.
Comment: This sequence change replaces alanine, which is neutral and non-polar, with threonine, which is neutral and polar, at codon 371 of the TXNRD2 protein (p.Ala371Thr). This variant is not present in population databases (gnomAD no frequency). This variant has not been reported in the literature in individuals affected with TXNRD2-related conditions. Invitae Evidence Modeling of protein sequence and biophysical properties (such as structural, functional, and spatial information, amino acid conservation, physicochemical variation, residue mobility, and thermodynamic stability) indicates that this missense variant is expected to disrupt TXNRD2 protein function with a positive predictive value of 80%. In summary, the available evidence is currently insufficient to determine the role of this variant in disease. Therefore, it has been classified as a Variant of Uncertain Significance.

NM_006440.5(TXNRD2):c.1111G>A (p.Ala371Thr)

Gene: TXNRD2 (thioredoxin reductase 2; minus strand). Cytogenetic location: 22q11.21.
Variant type: single nucleotide variant.
Coding change: c.1111G>A on transcript NM_006440.5 (MANE Select); coding-DNA position 1111, G replaced by A.
Protein change: p.Ala371Thr; replaces alanine 371 with threonine.
Molecular consequence: missense variant. On other transcripts: non-coding transcript variant (1).
Genome position (GRCh38, 1-based): chr22:19,880,693, C>T on the plus strand (G>A on the coding strand, the complement: TXNRD2 is on the minus strand). VCF-style: chr22-19880693-C-T. GRCh37 (hg19) VCF-style: chr22-19868216-C-T.
Other names: c.1108G>A, p.Ala370Thr (NM_001352300.2); c.1021G>A, p.Ala341Thr (NM_001352301.2); c.823G>A, p.Ala275Thr (NM_001352302.2); short protein forms A275T, A341T, A370T, A371T.
Identifiers: ClinVar variation 4807485 (VCV004807485.1).